The following is an entry in ClinVar:

NM_025114.4(CEP290):c.268A>T (p.Lys90Ter)

Gene: CEP290 (centrosomal protein 290; minus strand). Cytogenetic location: 12q21.32.
Variant type: single nucleotide variant.
Coding change: c.268A>T on transcript NM_025114.4 (MANE Select); coding-DNA position 268, A replaced by T.
Protein change: p.Lys90Ter; replaces lysine 90 with a stop codon.
Molecular consequence: nonsense.
Genome position (GRCh38, 1-based): chr12:88,139,174, T>A on the plus strand (A>T on the coding strand, the complement: CEP290 is on the minus strand). VCF-style: chr12-88139174-T-A. GRCh37 (hg19) VCF-style: chr12-88532951-T-A.
Other names: short protein forms K90*.
Identifiers: ClinVar variation 372612 (VCV000372612.3), dbSNP rs1057517886, ClinGen allele CA16042812.
Genomic context (GRCh38, chr12:88,139,174, plus strand): 5'-ATTACATCCTAGGGAATACAAAAAGACATACCTCCAGTTCATTTTCCAGTTTCATTACTT[T>A]AGTTTTTAATTGATTTTCTATTTTTTTAAAAAAAAAGAAAAACGTTTTAATTGATTAGTT-3'

ClinVar aggregate classification (germline): Pathogenic/Likely pathogenic. Review status: criteria provided, multiple submitters, no conflicts (2 of 4 stars). 2 submissions from 2 submitters: Pathogenic (1); Likely pathogenic (1). Last evaluated 2025-09-11.

Conditions:
CEP290-related ciliopathy. Also called: CEP290 ciliopathy. Identifiers: MedGen CN305601, MONDO:0100451.

Submissions (2):

Myriad Genetics, Inc.
Classification: Pathogenic for CEP290-related ciliopathy. Last evaluated: 2025-09-11. Review status: criteria provided, single submitter. Criteria: Myriad Autosomal Dominant, Autosomal Recessive and X-Linked Classification Criteria (2023). Collection method: clinical testing. Allele origin: unknown.
Comment: NM_025114.3(CEP290):c.268A>T(K90*) is expected to be pathogenic in the context of CEP290-related disorders. This variant is predicted to lead to an abnormal or absent protein product due to the creation of a premature termination codon in CEP290, a gene where loss-of-function variants are known to be pathogenic. Please note: this variant was assessed in the context of healthy population screening.

GeneDx
Classification: Likely pathogenic. Last evaluated: 2016-03-22. Review status: criteria provided, single submitter. Criteria: GeneDx Variant Classification (06012015). Collection method: clinical testing. Allele origin: germline. Affected: yes.
Comment: The K90X variant in the CEP290 gene has not been reported previously as a pathogenic variant nor as a benign variant, to our knowledge. This variant is predicted to cause loss of normal protein function either through protein truncation or nonsense-mediated mRNA decay. The K90X variant was not observed in approximately 5700 individuals of European and African American ancestry in the NHLBI Exome Sequencing Project, indicating it is not a common benign variant in these populations. The K90X variant is a strong candidate for a pathogenic variant, however the possibility it may be a rare benign variant cannot be excluded.